The following is an entry in ClinVar:

NM_001105206.3(LAMA4):c.2251G>A (p.Ala751Thr)

Gene: LAMA4 (laminin subunit alpha 4; minus strand). Cytogenetic location: 6q21.
Variant type: single nucleotide variant.
Coding change: c.2251G>A on transcript NM_001105206.3 (MANE Select); coding-DNA position 2251, G replaced by A.
Protein change: p.Ala751Thr; replaces alanine 751 with threonine.
Molecular consequence: missense variant.
Genome position (GRCh38, 1-based): chr6:112,148,259, C>T on the plus strand (G>A on the coding strand, the complement: LAMA4 is on the minus strand). VCF-style: chr6-112148259-C-T. GRCh37 (hg19) VCF-style: chr6-112469461-C-T.
Other names: c.2230G>A, p.Ala744Thr (NM_001105207.3, NM_002290.5); short protein forms A744T, A751T.
Identifiers: ClinVar variation 3372244 (VCV003372244.1).
Genomic context (GRCh38, chr6:112,148,259, plus strand): 5'-AGTCAAAATGTTGAAGATTCTGTGACCAGTTGGTTAGATTGTTGGCCATGGGGGCAGTGG[C>T]CTGCTGCACCTCCATCGTCGTCCTGTTGGCTTCCTCGGTGATCAGTCTAGACTGCCCCAG-3'
Protein context (NP_001098676.2, residues 741-761): ANRTTMEVQQ[Ala751Thr]TAPMANNLTN

ClinVar aggregate classification (germline): Uncertain significance (1 of 4 stars; one submission).

gnomAD v4.1: 1 of 1,614,164 alleles (0.000062%); highest among the groups gnomAD compares: South Asian, 0.0011%; no homozygotes.

Submission:

GeneDx
Classification: Uncertain significance. Last evaluated: 2024-04-14. Review status: criteria provided, single submitter. Criteria: GeneDx Variant Classification Process June 2021. Collection method: clinical testing. Allele origin: germline. Affected: yes.
Comment: Not observed at significant frequency in large population cohorts (gnomAD); In silico analysis indicates that this missense variant does not alter protein structure/function; Has not been previously published as pathogenic or benign to our knowledge